The following is an entry in ClinVar:

NM_020832.3(ZNF687):c.2187T>A (p.Asn729Lys)

Gene: ZNF687 (zinc finger protein 687; plus strand). Cytogenetic location: 1q21.3.
Variant type: single nucleotide variant.
Coding change: c.2187T>A on transcript NM_020832.3 (MANE Select); coding-DNA position 2187, T replaced by A.
Protein change: p.Asn729Lys; replaces asparagine 729 with lysine.
Molecular consequence: missense variant.
Genome position (GRCh38, 1-based): chr1:151,288,599, T>A. VCF-style: chr1-151288599-T-A. GRCh37 (hg19) VCF-style: chr1-151261075-T-A.
Other names: c.2187T>A, p.Asn729Lys (NM_001304763.2, NM_001304764.2); short protein forms N729K.
Identifiers: ClinVar variation 3685572 (VCV003685572.2).

ClinVar aggregate classification (germline): Uncertain significance (1 of 4 stars; one submission).

Submission:

Labcorp Genetics (formerly Invitae), Labcorp
Classification: Uncertain significance. Last evaluated: 2025-09-29. Review status: criteria provided, single submitter. Criteria: Invitae Variant Classification Sherloc (09022015). Collection method: clinical testing. Allele origin: germline.
Comment: This sequence change replaces asparagine, which is neutral and polar, with lysine, which is basic and polar, at codon 729 of the ZNF687 protein (p.Asn729Lys). This variant is not present in population databases (gnomAD no frequency). This variant has not been reported in the literature in individuals affected with ZNF687-related conditions. ClinVar contains an entry for this variant (Variation ID: 3685572). An algorithm developed to predict the effect of missense changes on protein structure and function (PolyPhen-2) suggests that this variant is likely to be tolerated. In summary, the available evidence is currently insufficient to determine the role of this variant in disease. Therefore, it has been classified as a Variant of Uncertain Significance.